The following is an entry in ClinVar:

NM_001379200.1(TBX1):c.110C>T (p.Pro37Leu)

Gene: TBX1 (T-box transcription factor 1; plus strand). Cytogenetic location: 22q11.21.
Variant type: single nucleotide variant.
Coding change: c.110C>T on transcript NM_001379200.1 (MANE Select); coding-DNA position 110, C replaced by T.
Protein change: p.Pro37Leu; replaces proline 37 with leucine.
Molecular consequence: missense variant.
Genome position (GRCh38, 1-based): chr22:19,760,953, C>T. VCF-style: chr22-19760953-C-T. GRCh37 (hg19) VCF-style: chr22-19748476-C-T.
Other names: c.83C>T, p.Pro28Leu (NM_005992.1, NM_080646.2, NM_080647.1); short protein forms P28L, P37L.
Identifiers: ClinVar variation 1710695 (VCV001710695.5), dbSNP rs2517841475, ClinGen allele CA410681175.
Genomic context (GRCh38, chr22:19,760,953, plus strand): 5'-GCGACGTTGCAGCCTTCACGGCCAGCAGCCTGAGCAGCCTGGGGGCCGCGGGGGGCTTCC[C>T]GGGCGCCGCGTCGCCCGGCGCCGACCCGTACGGCCCGCGCGAGCCCCCGCCGCCGCCGCC-3'
Protein context (NP_001366129.1, residues 27-47): LSSLGAAGGF[Pro37Leu]GAASPGADPY

ClinVar aggregate classification (germline): Uncertain significance. Review status: criteria provided, multiple submitters, no conflicts (2 of 4 stars). 2 submissions from 2 submitters: Uncertain significance (2). Last evaluated 2025-08-28.

Conditions:
Cardiovascular phenotype. Identifiers: MedGen CN230736.

Submissions (2):

Ambry Genetics
Classification: Uncertain significance for Cardiovascular phenotype. Last evaluated: 2025-08-28. Review status: criteria provided, single submitter. Criteria: Ambry Variant Classification Scheme 2023. Collection method: clinical testing. Allele origin: germline.
Comment: The p.P28L variant (also known as c.83C>T), located in coding exon 2 of the TBX1 gene, results from a C to T substitution at nucleotide position 83. The proline at codon 28 is replaced by leucine, an amino acid with similar properties. This amino acid position is conserved. In addition, this alteration is predicted to be tolerated by in silico analysis. Since supporting evidence is limited at this time, the clinical significance of this alteration remains unclear.

GeneDx
Classification: Uncertain significance. Last evaluated: 2022-04-15. Review status: criteria provided, single submitter. Criteria: GeneDx Variant Classification Process June 2021. Collection method: clinical testing. Allele origin: germline. Affected: yes.
Comment: Not observed at significant frequency in large population cohorts (gnomAD); In silico analysis supports that this missense variant does not alter protein structure/function; Has not been previously published as pathogenic or benign to our knowledge